The following is an entry in ClinVar:

NM_004006.3(DMD):c.1348A>G (p.Met450Val)

Gene: DMD (dystrophin; minus strand). Cytogenetic location: Xp21.1.
Variant type: single nucleotide variant.
Coding change: c.1348A>G on transcript NM_004006.3 (MANE Select); coding-DNA position 1348, A replaced by G.
Protein change: p.Met450Val; replaces methionine 450 with valine.
Molecular consequence: missense variant.
Genome position (GRCh38, 1-based): chrX:32,614,437, T>C on the plus strand (A>G on the coding strand, the complement: DMD is on the minus strand). VCF-style: chrX-32614437-T-C. GRCh37 (hg19) VCF-style: chrX-32632554-T-C.
Other names: c.1324A>G, p.Met442Val (NM_000109.4); c.1336A>G, p.Met446Val (NM_004009.3); c.979A>G, p.Met327Val (NM_004010.3); short protein forms M327V, M442V, M446V, M450V.
Identifiers: ClinVar variation 1026150 (VCV001026150.9), dbSNP rs750767440, ClinGen allele CA10379870.
Genomic context (GRCh38, chrX:32,614,437, plus strand): 5'-TTTCTTCTGTTTTTGTTAGCCAGTCATTCAACTCTTTCAGTTTCTGATTCTGGAGATCCA[T>C]TAAAACTCTATGTAAACTGAAAATTTGAAAGAAGCCTATTATGACCTCTTTGAAAGCAAC-3'
Protein context (NP_003997.2, residues 440-460): EKQSNLHRVL[Met450Val]DLQNQKLKEL

ClinVar aggregate classification (germline): Uncertain significance. Review status: criteria provided, single submitter (1 of 4 stars). 2 submissions from 2 submitters: Uncertain significance (1). 1 of the submissions does not count toward it. Last evaluated 2024-10-22.

Conditions:
Cardiomyopathy (CMYO). Also called: Cardiomyopathies. Identifiers: Orphanet 167848, MedGen C0878544, MONDO:0004994, HP:0001638. Inheritance: Various modes of inheritance.
Dystrophin deficiency.
Duchenne muscular dystrophy (DMD). Also called: MUSCULAR DYSTROPHY, PSEUDOHYPERTROPHIC PROGRESSIVE, DUCHENNE TYPE; Duchenne Muscular Dystrophy (DMD). Identifiers: Orphanet 98896, MedGen C0013264, MONDO:0010679, OMIM 310200.
Becker muscular dystrophy (BMD). Also called: Becker Muscular Dystrophy (BMD); MUSCULAR DYSTROPHY, PSEUDOHYPERTROPHIC PROGRESSIVE, BECKER TYPE. Identifiers: Orphanet 98895, MedGen C0917713, MONDO:0010311, OMIM 300376.

Allele frequency attached by ClinVar (database versions not stated): ExAC 0.00001; gnomAD exomes 0.00001; TOPMed 0.00001.
gnomAD v4.1: 12 of 1,206,958 alleles (0.00099%); highest among the groups gnomAD compares: Non-Finnish European, 0.0012%; no homozygotes.

Submissions (2):

Labcorp Genetics (formerly Invitae), Labcorp
Classification: Uncertain significance for Duchenne muscular dystrophy. Last evaluated: 2024-10-22. Review status: criteria provided, single submitter. Criteria: Invitae Variant Classification Sherloc (09022015). Collection method: clinical testing. Allele origin: germline.
Comment: This sequence change replaces methionine, which is neutral and non-polar, with valine, which is neutral and non-polar, at codon 450 of the DMD protein (p.Met450Val). This variant is not present in population databases (gnomAD no frequency). This variant has not been reported in the literature in individuals affected with DMD-related conditions. ClinVar contains an entry for this variant (Variation ID: 1026150). Invitae Evidence Modeling of protein sequence and biophysical properties (such as structural, functional, and spatial information, amino acid conservation, physicochemical variation, residue mobility, and thermodynamic stability) indicates that this missense variant is not expected to disrupt DMD protein function with a negative predictive value of 95%. In summary, the available evidence is currently insufficient to determine the role of this variant in disease. Therefore, it has been classified as a Variant of Uncertain Significance.

Natera, Inc.
Classification: Uncertain significance for Becker muscular dystrophy; Cardiomyopathy; Duchenne muscular dystrophy; Dystrophin deficiency. Last evaluated: 2018-08-25. Review status: no assertion criteria provided. Collection method: clinical testing. Allele origin: germline. Not counted in ClinVar's aggregate classification.